The following is an entry in ClinVar:

ClinVar aggregate classification (germline): Pathogenic. Review status: criteria provided, single submitter (1 of 4 stars). 2 submissions from 2 submitters: Pathogenic (1). 1 of the submissions does not count toward it. Last evaluated 2021-03-01.

Conditions:
Marfan syndrome (MFS). Also called: Marfan syndrome type 1; Marfan syndrome, classic; Marfan's syndrome; FBN1-Related Marfan Syndrome; MARFAN SYNDROME, TYPE I. Identifiers: Orphanet 284963, Orphanet 558, MedGen C0024796, MONDO:0007947, OMIM 154700.

Submissions (2):

Centre of Medical Genetics, University of Antwerp
Classification: Pathogenic for Marfan syndrome. Last evaluated: 2021-03-01. Review status: criteria provided, single submitter. Criteria: Submitter's publication. Collection method: research. Allele origin: unknown. Affected: yes.
Comment: PM2, PVS1, PP4

Center for Medical Genetics Ghent, University of Ghent
Classification: Likely pathogenic for Marfan syndrome. Last evaluated: 2017-11-07. Review status: no assertion criteria provided. Collection method: clinical testing. Allele origin: germline. Affected: yes. Not counted in ClinVar's aggregate classification.

NM_000138.5(FBN1):c.6916_6934del (p.Arg2306fs)

Gene: FBN1 (fibrillin 1; minus strand). Cytogenetic location: 15q21.1.
Variant type: Deletion.
Coding change: c.6916_6934del on transcript NM_000138.5 (MANE Select); coding-DNA positions 6916 to 6934, 19 bases deleted (CGCTGCCTCAACACCCGTG).
Protein change: p.Arg2306fs; shifts the reading frame from arginine 2306.
Molecular consequence: frameshift variant.
Genome position (GRCh38, 1-based): chr15:48,428,409-48,428,427, CACGGGTGTTGAGGCAGCG deleted on the plus strand (CGCTGCCTCAACACCCGTG on the coding strand, the reverse complement: FBN1 is on the minus strand); deleting any 19 consecutive bases within chr15:48,428,409-48,428,428 gives the same sequence; the c. name uses the placement nearest the transcript's 3' end. VCF-style (leftmost placement, unchanged base first): chr15-48428408-CCACGGGTGTTGAGGCAGCG-C. GRCh37 (hg19) VCF-style: chr15-48720605-CCACGGGTGTTGAGGCAGCG-C.
Other names: short protein forms R2306fs.
Identifiers: ClinVar variation 549376 (VCV000549376.18), dbSNP rs1555394630, ClinGen allele CA658824921.